The following is an entry in ClinVar:

ClinVar aggregate classification (germline): Uncertain significance (1 of 4 stars; one submission).

Allele frequency attached by ClinVar (database versions not stated): gnomAD exomes below 0.00001; ExAC 0.00001; TOPMed 0.00001.
gnomAD v4.1: 2 of 1,614,158 alleles (0.00012%); highest among the groups gnomAD compares: South Asian, 0.0011%; no homozygotes.

Submission:

Labcorp Genetics (formerly Invitae), Labcorp
Classification: Uncertain significance. Last evaluated: 2022-02-02. Review status: criteria provided, single submitter. Criteria: Invitae Variant Classification Sherloc (09022015). Collection method: clinical testing. Allele origin: germline.
Comment: In summary, the available evidence is currently insufficient to determine the role of this variant in disease. Therefore, it has been classified as a Variant of Uncertain Significance. Algorithms developed to predict the effect of missense changes on protein structure and function (SIFT, PolyPhen-2, Align-GVGD) all suggest that this variant is likely to be tolerated. This variant has not been reported in the literature in individuals affected with ANKZF1-related conditions. This variant is present in population databases (rs754378038, gnomAD 0.003%). This sequence change replaces histidine, which is basic and polar, with glutamine, which is neutral and polar, at codon 702 of the ANKZF1 protein (p.His702Gln).

NM_018089.3(ANKZF1):c.2106C>A (p.His702Gln)

Gene: ANKZF1 (ankyrin repeat and zinc finger peptidyl tRNA hydrolase 1; plus strand). Cytogenetic location: 2q35.
Variant type: single nucleotide variant.
Coding change: c.2106C>A on transcript NM_018089.3 (MANE Select); coding-DNA position 2106, C replaced by A.
Protein change: p.His702Gln; replaces histidine 702 with glutamine.
Molecular consequence: missense variant.
Genome position (GRCh38, 1-based): chr2:219,236,370, C>A. VCF-style: chr2-219236370-C-A. GRCh37 (hg19) VCF-style: chr2-220101092-C-A.
Other names: c.2106C>A, p.His702Gln (NM_001042410.2); c.1476C>A, p.His492Gln (NM_001282792.2); short protein forms H702Q, H492Q.
Identifiers: ClinVar variation 2082394 (VCV002082394.4), dbSNP rs754378038, ClinGen allele CA2121317.